The following is an entry in ClinVar:

NM_015512.5(DNAH1):c.5953A>G (p.Met1985Val)

Gene: DNAH1 (dynein axonemal heavy chain 1; plus strand). Cytogenetic location: 3p21.1.
Variant type: single nucleotide variant.
Coding change: c.5953A>G on transcript NM_015512.5 (MANE Select); coding-DNA position 5953, A replaced by G.
Protein change: p.Met1985Val; replaces methionine 1985 with valine.
Molecular consequence: missense variant.
Genome position (GRCh38, 1-based): chr3:52,369,834, A>G. VCF-style: chr3-52369834-A-G. GRCh37 (hg19) VCF-style: chr3-52403850-A-G.
Other names: short protein forms M1985V.
Identifiers: ClinVar variation 478469 (VCV000478469.7), dbSNP rs376873184, ClinGen allele CA2434380.

ClinVar aggregate classification (germline): Uncertain significance. Review status: criteria provided, multiple submitters, no conflicts (2 of 4 stars). 2 submissions from 2 submitters: Uncertain significance (2). Last evaluated 2025-08-15.

Conditions:
Spermatogenic failure 18. Identifiers: MedGen C4539783, MONDO:0054615, OMIM 617576.
Ciliary dyskinesia, primary, 37 (CILD37). Also called: CILIARY DYSKINESIA, PRIMARY, 37, WITH OR WITHOUT SITUS INVERSUS. Identifiers: MedGen C4539798, MONDO:0033204, OMIM 617577.

Allele frequency attached by ClinVar (database versions not stated): gnomAD 0.00001 and 0.00002; gnomAD exomes 0.00006 and 0.00007; ExAC 0.00007; TOPMed 0.00007; ESP Exome Variant Server 0.00008.

Submissions (2):

Labcorp Genetics (formerly Invitae), Labcorp
Classification: Uncertain significance for Ciliary dyskinesia, primary, 37; Spermatogenic failure 18. Last evaluated: 2025-08-15. Review status: criteria provided, single submitter. Criteria: Invitae Variant Classification Sherloc (09022015). Collection method: clinical testing. Allele origin: germline.
Comment: This sequence change replaces methionine, which is neutral and non-polar, with valine, which is neutral and non-polar, at codon 1985 of the DNAH1 protein (p.Met1985Val). This variant is present in population databases (rs376873184, gnomAD 0.03%). This variant has not been reported in the literature in individuals affected with DNAH1-related conditions. ClinVar contains an entry for this variant (Variation ID: 478469). Invitae Evidence Modeling of protein sequence and biophysical properties (such as structural, functional, and spatial information, amino acid conservation, physicochemical variation, residue mobility, and thermodynamic stability) indicates that this missense variant is expected to disrupt DNAH1 protein function with a positive predictive value of 80%. In summary, the available evidence is currently insufficient to determine the role of this variant in disease. Therefore, it has been classified as a Variant of Uncertain Significance.

Ambry Genetics
Classification: Uncertain significance. Last evaluated: 2025-02-07. Review status: criteria provided, single submitter. Criteria: Ambry Variant Classification Scheme 2023. Collection method: clinical testing. Allele origin: germline.